The following is an entry in ClinVar:

ClinVar aggregate classification (germline): Benign. Review status: criteria provided, multiple submitters, no conflicts (2 of 4 stars). 2 submissions from 2 submitters: Benign (2). Last evaluated 2018-01-13.

Conditions:
Alport syndrome. Also called: Hemorrhagic familial nephritis; Hemorrhagic hereditary nephritis; Congenital hereditary hematuria. Identifiers: Orphanet 63, MedGen C1567741, MONDO:0018965.

Allele frequency attached by ClinVar (database versions not stated): 1000 Genomes Project 0.15595; 1000 Genomes Project 30x 0.16037; TOPMed 0.19883; gnomAD 0.19944 and 0.20446; gnomAD exomes 0.23571.
gnomAD v4.1: 30,259 of 151,896 alleles (20%); highest among the groups gnomAD compares: African/African-American, 24%; 3,047 homozygotes.

Submissions (2):

Illumina Laboratory Services, Illumina
Classification: Benign for Alport syndrome. Last evaluated: 2018-01-13. Review status: criteria provided, single submitter. Criteria: ICSL Variant Classification Criteria 13 December 2019. Collection method: clinical testing. Allele origin: germline.
Comment: This variant was observed in the ICSL laboratory as part of a predisposition screen in an ostensibly healthy population. It had not been previously curated by ICSL or reported in the Human Gene Mutation Database (HGMD: prior to June 1st, 2018), and was therefore a candidate for classification through an automated scoring system. Utilizing variant allele frequency, disease prevalence and penetrance estimates, and inheritance mode, an automated score was calculated to assess if this variant is too frequent to cause the disease. Based on the score and internal cut-off values, a variant classified as benign is not then subjected to further curation. The score for this variant resulted in a classification of benign for this disease.

Breakthrough Genomics
Classification: Benign. Review status: criteria provided, single submitter. Criteria: ACMG Guidelines, 2015. Collection method: not provided. Allele origin: germline. Inheritance: Autosomal recessive inheritance. Affected: yes.

NM_000091.5(COL4A3):c.*981C>T

Genes: COL4A3 (collagen type IV alpha 3 chain; plus strand), MFF-DT (MFF divergent transcript; minus strand). Cytogenetic location: 2q36.3.
Variant type: single nucleotide variant.
Coding change: c.*981C>T on transcript NM_000091.5 (MANE Select); 981 bases downstream of the stop codon, C replaced by T.
Molecular consequence: 3 prime UTR variant.
Genome position (GRCh38, 1-based): chr2:227,312,851, C>T. VCF-style: chr2-227312851-C-T. GRCh37 (hg19) VCF-style: chr2-228177567-C-T.
Identifiers: ClinVar variation 334800 (VCV000334800.6), dbSNP rs1134745, ClinGen allele CA10613019.